The following is an entry in ClinVar:

NM_001194998.2(CEP152):c.467dup (p.Gln157fs)

Gene: CEP152 (centrosomal protein 152; minus strand). Cytogenetic location: 15q21.1.
Variant type: Duplication.
Coding change: c.467dup on transcript NM_001194998.2 (MANE Select); coding-DNA position 467, one base duplicated (G; older notation c.467dupG).
Protein change: p.Gln157fs; shifts the reading frame from glutamine 157.
Molecular consequence: frameshift variant.
Genome position (GRCh38, 1-based): chr15:48,797,374, C duplicated on the plus strand (G on the coding strand, the reverse complement: CEP152 is on the minus strand); the first of 2 consecutive C bases (chr15:48,797,374-48,797,375); duplicating either gives the same sequence. VCF-style (leftmost placement, unchanged base first): chr15-48797373-A-AC. GRCh37 (hg19) VCF-style: chr15-49089570-A-AC.
Other names: c.467dupG (NM_014985.3); c.467dup, p.Gln157fs (NM_014985.4); short protein forms Q157fs.
Identifiers: ClinVar variation 1186425 (VCV001186425.14), dbSNP rs1208144689, ClinGen allele CA490054388.

ClinVar aggregate classification (germline): Pathogenic/Likely pathogenic. Review status: criteria provided, multiple submitters, no conflicts (2 of 4 stars). 7 submissions from 7 submitters: Pathogenic (3); Likely pathogenic (2). 2 of the submissions do not count toward it. Last evaluated 2025-07-19.

Conditions:
Microcephaly 9, primary, autosomal recessive. Identifiers: Orphanet 2512, MedGen C3553886, MONDO:0013923, OMIM 614852.
Seckel syndrome 5 (SCKL5). Identifiers: Orphanet 808, MedGen C3151187, MONDO:0013443, OMIM 613823.

Submissions (7):

GeneDx
Classification: Pathogenic. Last evaluated: 2025-07-19. Review status: criteria provided, single submitter. Criteria: GeneDx Variant Classification Process June 2021. Collection method: clinical testing. Allele origin: germline. Affected: yes.
Comment: Frameshift variant predicted to result in protein truncation or nonsense mediated decay in a gene for which loss of function is a known mechanism of disease; Not observed at significant frequency in large population cohorts (gnomAD); Has not been previously published as pathogenic or benign to our knowledge

Labcorp Genetics (formerly Invitae), Labcorp
Classification: Pathogenic. Last evaluated: 2024-07-03. Review status: criteria provided, single submitter. Criteria: Invitae Variant Classification Sherloc (09022015). Collection method: clinical testing. Allele origin: germline.
Comment: This sequence change creates a premature translational stop signal (p.Gln157Serfs*6) in the CEP152 gene. It is expected to result in an absent or disrupted protein product. Loss-of-function variants in CEP152 are known to be pathogenic (PMID: 21131973). This variant is present in population databases (no rsID available, gnomAD 0.003%). This variant has not been reported in the literature in individuals affected with CEP152-related conditions. ClinVar contains an entry for this variant (Variation ID: 1186425). For these reasons, this variant has been classified as Pathogenic.

Fulgent Genetics
Classification: Likely pathogenic for Seckel syndrome 5; Microcephaly 9, primary, autosomal recessive. Last evaluated: 2024-04-02. Review status: criteria provided, single submitter. Criteria: ACMG Guidelines, 2015. Collection method: clinical testing. Allele origin: germline.

MGZ Medical Genetics Center
Classification: Pathogenic for Microcephaly 9, primary, autosomal recessive. Last evaluated: 2022-05-06. Review status: criteria provided, single submitter. Criteria: ACMG Guidelines, 2015. Collection method: clinical testing. Allele origin: germline. Affected: yes. Observed: 1 variant allele.
Comment: ACMG criteria applied: PVS1, PM3, PM2_SUP

Department of Clinical Genetics, Copenhagen University Hospital, Rigshospitalet
Classification: Likely pathogenic for Microcephaly 9, primary, autosomal recessive. Last evaluated: 2021-08-01. Review status: criteria provided, single submitter. Criteria: ACMG Guidelines, 2015. Collection method: clinical testing. Allele origin: inherited. Affected: yes.

Clinical Genetics DNA and cytogenetics Diagnostics Lab, Erasmus MC, Erasmus Medical Center
Classification: Pathogenic. Review status: no assertion criteria provided. Collection method: clinical testing. Allele origin: germline. Affected: yes. Study: VKGL Data-share Consensus. Not counted in ClinVar's aggregate classification.

Genome Diagnostics Laboratory, Amsterdam University Medical Center
Classification: Pathogenic. Review status: no assertion criteria provided. Collection method: clinical testing. Allele origin: germline. Affected: yes. Study: VKGL Data-share Consensus. Not counted in ClinVar's aggregate classification.

Literature cited by the submitters: PubMed 21131973 (cited by Labcorp Genetics (formerly Invitae), Labcorp).